The following is an entry in ClinVar:

ClinVar aggregate classification (germline): Pathogenic/Likely pathogenic. Review status: criteria provided, multiple submitters, no conflicts (2 of 4 stars). 13 submissions from 13 submitters: Pathogenic (9); Likely pathogenic (2). 2 of the submissions do not count toward it. Last evaluated 2025-10-03.

Conditions:
HOGA1-related disorders.
Primary hyperoxaluria type 3. Also called: PH III. Identifiers: Orphanet 416, Orphanet 93600, MedGen C3150878, MONDO:0013327, OMIM 613616. Disease mechanism: loss of function.

Allele frequency attached by ClinVar (database versions not stated): gnomAD exomes 0.00002 and 0.00006; 1000 Genomes Project 0.00020; gnomAD 0.00004; TOPMed 0.00003; ExAC 0.00006; 1000 Genomes Project 30x 0.00016.
gnomAD v4.1: 33 of 1,613,152 alleles (0.002%); highest among the groups gnomAD compares: East Asian, 0.062%; no homozygotes.

Submissions (13):

Rare Kidney Stone Consortium and the Mayo Clinic Hyperoxaluria Center, Mayo Clinic
Classification: Pathogenic for Primary hyperoxaluria type 3. Last evaluated: 2025-10-03. Review status: criteria provided, single submitter. Criteria: ACMG Guidelines, 2015. Collection method: research. Allele origin: germline. Affected: yes. Observed: 2 variant alleles.
Comment: ACMG:PM1, PM5, PP2, PP5

Variantyx, Inc.
Classification: Pathogenic for Primary hyperoxaluria type 3. Last evaluated: 2025-09-04. Review status: criteria provided, single submitter. Criteria: Variantyx Assertion Criteria 2022. Collection method: clinical testing. Allele origin: germline. Inheritance: Autosomal recessive inheritance. Affected: yes.
Comment: This is a homozygous nonsynonymous variant in the HOGA1 gene (OMIM: 613597). Pathogenic variants in this gene have been associated with autosomal recessive primary hyperoxaluria type III. Functional studies have shown that this variant alters HOGA1 protein function(PMID: 22771891) (PS3_Moderate) and mulltiple computational algorithms predict a deleterious effect for this variant (REVEL score: 0.762) (PP3). This variant has a 0.0624% maximum allele frequency in non-founder control populations (PM2). Based on the current evidence, this variant is classified as pathogenic for autosomal recessive primary hyperoxaluria type III.

Natera, Inc.
Classification: Pathogenic for Primary hyperoxaluria type III. Last evaluated: 2025-08-19. Review status: criteria provided, single submitter. Criteria: Natera Variant Classification Schema (03/2026). Collection method: clinical testing. Allele origin: germline.
Comment: The c.769T>G variant in HOGA1 is a missense variant predicted to cause substitution of cysteine to glycine at amino acid 257. The frequency of this variant in the general population is greater than expected for disorder. This variant has been observed in one or more individuals affected with the associated recessive disease, as either homozygous or compound heterozygous with a second variant (PMID: 25972204, 30488096, 34995728, 20797690, 33495102). Additionally, this variant has been observed to segregate in affected family members (PMID: 25972204). Computational prediction algorithms indicate this variant is likely to affect gene or protein function. Given the available evidence, this variant is classified as Pathogenic.

Labcorp Genetics (formerly Invitae), Labcorp
Classification: Pathogenic. Last evaluated: 2025-01-20. Review status: criteria provided, single submitter. Criteria: Invitae Variant Classification Sherloc (09022015). Collection method: clinical testing. Allele origin: germline.
Comment: This sequence change replaces cysteine, which is neutral and slightly polar, with glycine, which is neutral and non-polar, at codon 257 of the HOGA1 protein (p.Cys257Gly). This variant is present in population databases (rs267606764, gnomAD 0.09%). This missense change has been observed in individual(s) with primary hyperoxaluria (PMID: 20797690, 25972204, 30488096). In at least one individual the data is consistent with being in trans (on the opposite chromosome) from a pathogenic variant. It has also been observed to segregate with disease in related individuals. ClinVar contains an entry for this variant (Variation ID: 34). Invitae Evidence Modeling of protein sequence and biophysical properties (such as structural, functional, and spatial information, amino acid conservation, physicochemical variation, residue mobility, and thermodynamic stability) indicates that this missense variant is expected to disrupt HOGA1 protein function with a positive predictive value of 95%. Experimental studies have shown that this missense change affects HOGA1 function (PMID: 22771891). For these reasons, this variant has been classified as Pathogenic.

Fulgent Genetics
Classification: Pathogenic for Primary hyperoxaluria type 3. Last evaluated: 2024-01-22. Review status: criteria provided, single submitter. Criteria: ACMG Guidelines, 2015. Collection method: clinical testing. Allele origin: germline.

Clinical Biochemistry Laboratory, Health Services Laboratory
Classification: Pathogenic for Primary hyperoxaluria type 3. Last evaluated: 2023-10-27. Review status: criteria provided, single submitter. Criteria: ACMG Guidelines, 2015. Collection method: clinical testing. Allele origin: germline. Affected: yes.
Comment: ACMG: PS4 PS5 PM1 PM2 PM3 PP5

Revvity Omics, Revvity
Classification: Pathogenic. Last evaluated: 2023-04-04. Review status: criteria provided, single submitter. Criteria: ACMG Guidelines, 2015. Collection method: clinical testing. Allele origin: germline.

Women's Health and Genetics/Laboratory Corporation of America, LabCorp
Classification: Pathogenic for Primary hyperoxaluria type 3. Last evaluated: 2021-12-02. Review status: criteria provided, single submitter. Criteria: LabCorp Variant Classification Summary - May 2015. Collection method: clinical testing. Allele origin: germline.
Comment: Variant summary: HOGA1 c.769T>G (p.Cys257Gly) results in a non-conservative amino acid change in the encoded protein sequence. Three of five in-silico tools predict a damaging effect of the variant on protein function. The variant allele was found at a frequency of 6.4e-05 in 249558 control chromosomes, predominantly at a frequency of 0.00082 within the East Asian subpopulation in the gnomAD database. This frequency is not higher than the maximum expected for a pathogenic variant in HOGA1 causing Primary Hyperoxaluria, Type III (0.0015), allowing no conclusion about variant significance. c.769T>G has been reported in the literature in homozygous and compound heterozygous state in multiple individuals affected with Primary Hyperoxaluria, Type III (examples: Allard_2015, Belostotsky_2010, Fang_2019, Du_2021). These data indicate that the variant is very likely to be associated with disease. At least one publication reports experimental evidence evaluating an impact on protein function, and demonstrated that the variant resulted in no measurable activity (Riedel_2012). Two clinical diagnostic laboratories have submitted clinical-significance assessments for this variant to ClinVar after 2014, and classified the variant as pathogenic/likely pathogenic. Based on the evidence outlined above, the variant was classified as pathogenic.

Blueprint Genetics
Classification: Pathogenic for HOGA1-related disorders. Last evaluated: 2021-08-30. Review status: criteria provided, single submitter. Criteria: ACMG Guidelines, 2015. Collection method: clinical testing. Allele origin: germline. Affected: yes. Observed: 3 variant alleles.

CeGaT Center for Human Genetics Tuebingen
Classification: Likely pathogenic. Last evaluated: 2019-03-01. Review status: criteria provided, single submitter. Criteria: CeGaT Center For Human Genetics Tuebingen Variant Classification Criteria Version 2. Collection method: clinical testing. Allele origin: germline. Affected: yes. Observed: 1 variant allele.

Juno Genomics, Hangzhou Juno Genomics, Inc
Classification: Likely pathogenic for Primary hyperoxaluria type 3. Review status: criteria provided, single submitter. Criteria: ACMG Guidelines, 2015. Collection method: clinical testing. Allele origin: germline. Affected: yes.
Comment: Absent from controls (or at extremely low frequency if recessive) in Genome Aggregation Database, Exome Sequencing Project, 1000 Genomes Project, or Exome Aggregation Consortium.;Well-established in vitro or in vivo functional studies supportive of a damaging effect on the gene or gene product.;For recessive disorders, detected in trans with a pathogenic variant.

Chinese Inherited Urolithiasis Consortium, The Affiliated Yantai Yuhuangding Hospital of Qingdao University
Classification: Pathogenic for Primary hyperoxaluria type 3. Last evaluated: 2024-08-26. Review status: no assertion criteria provided. Collection method: clinical testing. Allele origin: paternal, maternal. Affected: yes. Observed: 9 variant alleles. Not counted in ClinVar's aggregate classification.

OMIM
Classification: Pathogenic for HYPEROXALURIA, PRIMARY, TYPE III. Last evaluated: 2010-09-10. Review status: no assertion criteria provided. Collection method: literature only. Allele origin: germline. Not counted in ClinVar's aggregate classification.

Literature cited by the submitters: PubMed 20797690 (cited by 5 submitters); PubMed 22771891 (cited by 3 submitters); PubMed 33495102 (cited by 3 submitters); PubMed 36199823 (cited by Rare Kidney Stone Consortium and the Mayo Clinic Hyperoxaluria Center, Mayo Clinic); PubMed 35149915 (cited by Rare Kidney Stone Consortium and the Mayo Clinic Hyperoxaluria Center, Mayo Clinic); PubMed 37306718 (cited by Rare Kidney Stone Consortium and the Mayo Clinic Hyperoxaluria Center, Mayo Clinic); PubMed 37144129 (cited by Rare Kidney Stone Consortium and the Mayo Clinic Hyperoxaluria Center, Mayo Clinic); PubMed 37139236 (cited by Rare Kidney Stone Consortium and the Mayo Clinic Hyperoxaluria Center, Mayo Clinic); PubMed 40794449 (cited by Rare Kidney Stone Consortium and the Mayo Clinic Hyperoxaluria Center, Mayo Clinic); PubMed 25972204 (cited by 4 submitters); PubMed 30488096 (cited by 3 submitters); PubMed 34995728 (cited by Natera, Inc.); PubMed 33865885 (cited by Women's Health and Genetics/Laboratory Corporation of America, LabCorp); PubMed 31123811 (cited by Women's Health and Genetics/Laboratory Corporation of America, LabCorp).

NM_138413.4(HOGA1):c.769T>G (p.Cys257Gly)

Gene: HOGA1 (4-hydroxy-2-oxoglutarate aldolase 1; plus strand). Cytogenetic location: 10q24.2.
Variant type: single nucleotide variant.
Coding change: c.769T>G on transcript NM_138413.4 (MANE Select); coding-DNA position 769, T replaced by G.
Protein change: p.Cys257Gly; replaces cysteine 257 with glycine.
Molecular consequence: missense variant.
Genome position (GRCh38, 1-based): chr10:97,601,925, T>G. VCF-style: chr10-97601925-T-G. GRCh37 (hg19) VCF-style: chr10-99361682-T-G.
Other names: c.280T>G, p.Cys94Gly (NM_001134670.2); short protein forms C257G, C94G.
Identifiers: ClinVar variation 34 (VCV000000034.60), dbSNP rs267606764, ClinGen allele CA113818.